The following is an entry in ClinVar:

NM_002769.5(PRSS1):c.200C>A (p.Ser67Tyr)

Genes: PRSS1 (serine protease 1; plus strand), TRB (T cell receptor beta locus; plus strand). Cytogenetic location: 7q34.
Variant type: single nucleotide variant.
Coding change: c.200C>A on transcript NM_002769.5 (MANE Select); coding-DNA position 200, C replaced by A.
Protein change: p.Ser67Tyr; replaces serine 67 with tyrosine.
Molecular consequence: missense variant. On other transcripts: non-coding transcript variant (2).
Genome position (GRCh38, 1-based): chr7:142,750,714, C>A. VCF-style: chr7-142750714-C-A. GRCh37 (hg19) VCF-style: chr7-142458565-C-A.
Other names: c.200C>A (NM_002769.4); short protein forms S67Y.
Identifiers: ClinVar variation 3704975 (VCV003704975.3).

ClinVar aggregate classification (germline): Uncertain significance. Review status: criteria provided, multiple submitters, no conflicts (2 of 4 stars). 2 submissions from 2 submitters: Uncertain significance (2). Last evaluated 2025-08-06.

Conditions:
Hereditary pancreatitis (PCTT). Also called: Hereditary chronic pancreatitis; PRSS1-Related Hereditary Pancreatitis. Identifiers: Orphanet 676, MedGen C0238339, MONDO:0008185, OMIM 167800.

Submissions (2):

Ambry Genetics
Classification: Uncertain significance for Hereditary pancreatitis. Last evaluated: 2025-08-06. Review status: criteria provided, single submitter. Criteria: Ambry Variant Classification Scheme 2023. Collection method: clinical testing. Allele origin: germline.
Comment: The p.S67Y variant (also known as c.200C>A), located in coding exon 2 of the PRSS1 gene, results from a C to A substitution at nucleotide position 200. The serine at codon 67 is replaced by tyrosine, an amino acid with dissimilar properties. This amino acid position is not well conserved in available vertebrate species. In addition, this alteration is predicted to be tolerated by in silico analysis. Based on the available evidence, the clinical significance of this variant remains unclear.

Labcorp Genetics (formerly Invitae), Labcorp
Classification: Uncertain significance for Hereditary pancreatitis. Last evaluated: 2024-07-30. Review status: criteria provided, single submitter. Criteria: Invitae Variant Classification Sherloc (09022015). Collection method: clinical testing. Allele origin: germline.
Comment: This sequence change replaces serine, which is neutral and polar, with tyrosine, which is neutral and polar, at codon 67 of the PRSS1 protein (p.Ser67Tyr). The frequency data for this variant in the population databases is considered unreliable, as metrics indicate poor data quality at this position in the gnomAD database. This variant has not been reported in the literature in individuals affected with PRSS1-related conditions. An algorithm developed to predict the effect of missense changes on protein structure and function outputs the following: PolyPhen-2: "Benign". The tyrosine amino acid residue is found in multiple mammalian species, which suggests that this missense change does not adversely affect protein function. In summary, the available evidence is currently insufficient to determine the role of this variant in disease. Therefore, it has been classified as a Variant of Uncertain Significance.